The following is an entry in ClinVar:

NC_000001.10:g.(?_94564330)_(94574292_?)del

Gene: ABCA4 (ATP binding cassette subfamily A member 4; minus strand). Cytogenetic location: 1p22.1.
Variant type: Deletion.
Identifiers: ClinVar variation 2422948 (VCV002422948.4).

ClinVar aggregate classification (germline): Pathogenic (1 of 4 stars; one submission).

Submission:

Labcorp Genetics (formerly Invitae), Labcorp
Classification: Pathogenic. Last evaluated: 2022-10-24. Review status: criteria provided, single submitter. Criteria: Invitae Variant Classification Sherloc (09022015). Collection method: clinical testing. Allele origin: germline.
Comment: This variant has not been reported in the literature in individuals affected with ABCA4-related conditions. This variant is a gross deletion of the genomic region encompassing exon(s) 4-6 of the ABCA4 gene. This deletion is out-of-frame, and is expected to create a premature termination codon and result in an absent or disrupted protein product. Loss-of-function variants in ABCA4 are known to be pathogenic (PMID: 10958761, 24938718, 25312043, 26780318). For these reasons, this variant has been classified as Pathogenic.

Literature cited by the submitters: PubMed 10958761; PubMed 24938718; PubMed 25312043; PubMed 26780318.